The following is an entry in ClinVar:

NM_000222.3(KIT):c.1580T>G (p.Ile527Ser)

Gene: KIT (KIT proto-oncogene, receptor tyrosine kinase; plus strand). Cytogenetic location: 4q12.
Variant type: single nucleotide variant.
Coding change: c.1580T>G on transcript NM_000222.3 (MANE Select); coding-DNA position 1580, T replaced by G.
Protein change: p.Ile527Ser; replaces isoleucine 527 with serine.
Molecular consequence: missense variant.
Genome position (GRCh38, 1-based): chr4:54,727,257, T>G. VCF-style: chr4-54727257-T-G. GRCh37 (hg19) VCF-style: chr4-55593423-T-G.
Other names: c.1568T>G, p.Ile523Ser (NM_001093772.2, NM_001385286.1); c.1583T>G, p.Ile528Ser (NM_001385284.1, NM_001385290.1); c.1580T>G, p.Ile527Ser (NM_001385285.1); c.1571T>G, p.Ile524Ser (NM_001385288.1, NM_001385292.1); short protein forms I524S, I523S, I527S, I528S.
Identifiers: ClinVar variation 4043760 (VCV004043760.1).

ClinVar aggregate classification (germline): Uncertain significance (1 of 4 stars; one submission).

Conditions:
Hereditary cancer-predisposing syndrome. Also called: Neoplastic Syndromes, Hereditary; Tumor predisposition; Hereditary neoplastic syndrome; Hereditary Cancer Syndrome. Identifiers: Orphanet 140162, MedGen C0027672, MeSH D009386, MONDO:0015356.

Submission:

Ambry Genetics
Classification: Uncertain significance for Hereditary cancer-predisposing syndrome. Last evaluated: 2025-05-07. Review status: criteria provided, single submitter. Criteria: Ambry Variant Classification Scheme 2023. Collection method: clinical testing. Allele origin: germline.
Comment: The p.I527S variant (also known as c.1580T>G), located in coding exon 10 of the KIT gene, results from a T to G substitution at nucleotide position 1580. The isoleucine at codon 527 is replaced by serine, an amino acid with dissimilar properties. This amino acid position is conserved. In addition, the in silico prediction for this alteration is inconclusive. Based on the available evidence, the clinical significance of this variant remains unclear.